The following is an entry in ClinVar:

NM_001080.3(ALDH5A1):c.1247G>A (p.Gly416Glu)

Gene: ALDH5A1 (aldehyde dehydrogenase 5 family member A1; plus strand). Cytogenetic location: 6p22.3.
Variant type: single nucleotide variant.
Coding change: c.1247G>A on transcript NM_001080.3 (MANE Select); coding-DNA position 1247, G replaced by A.
Protein change: p.Gly416Glu; replaces glycine 416 with glutamic acid.
Molecular consequence: missense variant.
Genome position (GRCh38, 1-based): chr6:24,528,070, G>A. VCF-style: chr6-24528070-G-A. GRCh37 (hg19) VCF-style: chr6-24528298-G-A.
Other names: c.1103G>A, p.Gly368Glu (NM_001368954.1); c.1286G>A, p.Gly429Glu (NM_170740.1); short protein forms G429E, G368E, G416E.
Identifiers: ClinVar variation 2116560 (VCV002116560.4), dbSNP rs2532877198, ClinGen allele CA362978374.

ClinVar aggregate classification (germline): Uncertain significance (1 of 4 stars; one submission).

Conditions:
Succinate-semialdehyde dehydrogenase deficiency (SSADHD). Also called: 4-HYDROXYBUTYRIC ACIDURIA; GABA METABOLIC DEFECT; Succinic Semialdehyde Dehydrogenase Deficiency; SSADH DEFICIENCY. Identifiers: Orphanet 22, MedGen C0268631, MONDO:0010083, OMIM 271980.

Submission:

Labcorp Genetics (formerly Invitae), Labcorp
Classification: Uncertain significance for Succinate-semialdehyde dehydrogenase deficiency. Last evaluated: 2026-01-26. Review status: criteria provided, single submitter. Criteria: Invitae Variant Classification Sherloc (09022015). Collection method: clinical testing. Allele origin: germline.
Comment: This sequence change replaces glycine, which is neutral and non-polar, with glutamic acid, which is acidic and polar, at codon 416 of the ALDH5A1 protein (p.Gly416Glu). This variant is not present in population databases (gnomAD no frequency). This variant has not been reported in the literature in individuals affected with ALDH5A1-related conditions. ClinVar contains an entry for this variant (Variation ID: 2116560). Invitae Evidence Modeling of protein sequence and biophysical properties (such as structural, functional, and spatial information, amino acid conservation, physicochemical variation, residue mobility, and thermodynamic stability) has been performed for this missense variant. However, the output from this modeling did not meet the statistical confidence thresholds required to predict the impact of this variant on ALDH5A1 protein function. In summary, the available evidence is currently insufficient to determine the role of this variant in disease. Therefore, it has been classified as a Variant of Uncertain Significance.